The following is an entry in ClinVar:

NM_018180.3(DHX32):c.1928A>G (p.His643Arg)

Genes: BCCIP (BRCA2 and CDKN1A interacting protein; plus strand), DHX32 (DEAH-box helicase 32 (putative); minus strand). Cytogenetic location: 10q26.2.
Variant type: single nucleotide variant.
Coding change: c.1928A>G on transcript NM_018180.3 (MANE Select); coding-DNA position 1928, A replaced by G.
Protein change: p.His643Arg; replaces histidine 643 with arginine.
Molecular consequence: missense variant. On other transcripts: intron variant (2).
Genome position (GRCh38, 1-based): chr10:125,838,341, T>C on the plus strand (A>G on the coding strand, the complement: DHX32 is on the minus strand). VCF-style: chr10-125838341-T-C. GRCh37 (hg19) VCF-style: chr10-127526910-T-C.
Other names: c.775-2914T>C (NM_016567.4, NM_078469.3); short protein forms H643R.
Identifiers: ClinVar variation 3082190 (VCV003082190.1), dbSNP rs754326853, ClinGen allele CA5739005.

ClinVar aggregate classification (germline): Uncertain significance. Review status: criteria provided, multiple submitters, no conflicts (2 of 4 stars). 2 submissions from 2 submitters: Uncertain significance (2). Last evaluated 2025-10-18.

Allele frequency attached by ClinVar (database versions not stated): ExAC 0.00002; gnomAD exomes 0.00001.
gnomAD v4.1: 7 of 1,612,294 alleles (0.00043%); highest among the groups gnomAD compares: Non-Finnish European, 0.00051%; no homozygotes.

Submissions (2):

Labcorp Genetics (formerly Invitae), Labcorp
Classification: Uncertain significance. Last evaluated: 2025-10-18. Review status: criteria provided, single submitter. Criteria: Invitae Variant Classification Sherloc (09022015). Collection method: clinical testing. Allele origin: germline.
Comment: This sequence change replaces histidine, which is basic and polar, with arginine, which is basic and polar, at codon 643 of the DHX32 protein (p.His643Arg). This variant is present in population databases (rs754326853, gnomAD 0.004%). This variant has not been reported in the literature in individuals affected with DHX32-related conditions. ClinVar contains an entry for this variant (Variation ID: 3082190). An algorithm developed to predict the effect of missense changes on protein structure and function (PolyPhen-2) suggests that this variant is likely to be disruptive. In summary, the available evidence is currently insufficient to determine the role of this variant in disease. Therefore, it has been classified as a Variant of Uncertain Significance.

Ambry Genetics
Classification: Uncertain significance. Last evaluated: 2023-12-08. Review status: criteria provided, single submitter. Criteria: Ambry Variant Classification Scheme 2023. Collection method: clinical testing. Allele origin: germline.